The following is an entry in ClinVar:

ClinVar aggregate classification (germline): Uncertain significance (1 of 4 stars; one submission).

Submission:

Labcorp Genetics (formerly Invitae), Labcorp
Classification: Uncertain significance. Last evaluated: 2024-06-06. Review status: criteria provided, single submitter. Criteria: Invitae Variant Classification Sherloc (09022015). Collection method: clinical testing. Allele origin: germline.
Comment: This sequence change replaces phenylalanine, which is neutral and non-polar, with cysteine, which is neutral and slightly polar, at codon 85 of the ARHGAP24 protein (p.Phe85Cys). This variant is not present in population databases (gnomAD no frequency). This variant has not been reported in the literature in individuals affected with ARHGAP24-related conditions. An algorithm developed to predict the effect of missense changes on protein structure and function (PolyPhen-2) suggests that this variant is likely to be disruptive. In summary, the available evidence is currently insufficient to determine the role of this variant in disease. Therefore, it has been classified as a Variant of Uncertain Significance.

NM_001025616.3(ARHGAP24):c.254T>G (p.Phe85Cys)

Gene: ARHGAP24 (Rho GTPase activating protein 24; plus strand). Cytogenetic location: 4q21.23.
Variant type: single nucleotide variant.
Coding change: c.254T>G on transcript NM_001025616.3 (MANE Select); coding-DNA position 254, T replaced by G.
Protein change: p.Phe85Cys; replaces phenylalanine 85 with cysteine.
Molecular consequence: missense variant.
Genome position (GRCh38, 1-based): chr4:85,721,958, T>G. VCF-style: chr4-85721958-T-G. GRCh37 (hg19) VCF-style: chr4-86643111-T-G.
Other names: short protein forms F85C.
Identifiers: ClinVar variation 3655805 (VCV003655805.2).
Genomic context (GRCh38, chr4:85,721,958, plus strand): 5'-TGCCTGGAAATAAAGTTTCTGAGCATCCCTGCAATGAAGAGAACCCAGGGAAGTTCCTTT[T>G]TGAAGTAGTTCCAGGTAAGATATTTTCCTAGTCTGATTAAATTATTGTCATCCTGTGTTG-3'
Protein context (NP_001020787.2, residues 75-95): CNEENPGKFL[Phe85Cys]EVVPGGDRDR